The following is an entry in ClinVar:

ClinVar aggregate classification (germline): Likely pathogenic (1 of 4 stars; one submission).

Conditions:
Very long chain acyl-CoA dehydrogenase deficiency (ACADVLD). Also called: Very Long-Chain Acyl-Coenzyme A Dehydrogenase Deficiency; VLCAD Deficiency. Identifiers: Orphanet 26793, MedGen C3887523, MONDO:0008723, OMIM 201475.

Submission:

Labcorp Genetics (formerly Invitae), Labcorp
Classification: Likely pathogenic for Very long chain acyl-CoA dehydrogenase deficiency. Last evaluated: 2024-06-29. Review status: criteria provided, single submitter. Criteria: Invitae Variant Classification Sherloc (09022015). Collection method: clinical testing. Allele origin: germline.
Comment: This sequence change replaces glycine, which is neutral and non-polar, with alanine, which is neutral and non-polar, at codon 514 of the ACADVL protein (p.Gly514Ala). This variant is not present in population databases (gnomAD no frequency). This variant has not been reported in the literature in individuals affected with ACADVL-related conditions. Advanced modeling of protein sequence and biophysical properties (such as structural, functional, and spatial information, amino acid conservation, physicochemical variation, residue mobility, and thermodynamic stability) performed at Invitae indicates that this missense variant is expected to disrupt ACADVL protein function with a positive predictive value of 95%. This variant disrupts the p.Gly514 amino acid residue in ACADVL. Other variant(s) that disrupt this residue have been determined to be pathogenic (PMID: 23480858, 30194637). This suggests that this residue is clinically significant, and that variants that disrupt this residue are likely to be disease-causing. In summary, the currently available evidence indicates that the variant is pathogenic, but additional data are needed to prove that conclusively. Therefore, this variant has been classified as Likely Pathogenic.

Literature cited by the submitters: PubMed 23480858; PubMed 30194637.

NM_000018.4(ACADVL):c.1541G>C (p.Gly514Ala)

Gene: ACADVL (acyl-CoA dehydrogenase very long chain; plus strand). Cytogenetic location: 17p13.1.
Variant type: single nucleotide variant.
Coding change: c.1541G>C on transcript NM_000018.4 (MANE Select); coding-DNA position 1541, G replaced by C.
Protein change: p.Gly514Ala; replaces glycine 514 with alanine.
Molecular consequence: missense variant.
Genome position (GRCh38, 1-based): chr17:7,224,329, G>C. VCF-style: chr17-7224329-G-C. GRCh37 (hg19) VCF-style: chr17-7127648-G-C.
Other names: c.1475G>C, p.Gly492Ala (NM_001033859.3); c.1610G>C, p.Gly537Ala (NM_001270447.2); c.1313G>C, p.Gly438Ala (NM_001270448.2); short protein forms G492A, G514A, G537A, G438A.
Identifiers: ClinVar variation 3634420 (VCV003634420.2).